The following is an entry in ClinVar:

NM_000179.3(MSH6):c.3470G>T (p.Gly1157Val)

Gene: MSH6 (mutS homolog 6; plus strand). Cytogenetic location: 2p16.3.
Variant type: single nucleotide variant.
Coding change: c.3470G>T on transcript NM_000179.3 (MANE Select); coding-DNA position 3470, G replaced by T.
Protein change: p.Gly1157Val; replaces glycine 1157 with valine.
Molecular consequence: missense variant.
Genome position (GRCh38, 1-based): chr2:47,804,941, G>T. VCF-style: chr2-47804941-G-T. GRCh37 (hg19) VCF-style: chr2-48032080-G-T.
Other names: c.3080G>T, p.Gly1027Val (NM_001281492.2); c.2564G>T, p.Gly855Val (NM_001281493.2, NM_001281494.2); short protein forms G1157V, G1027V, G855V.
Identifiers: ClinVar variation 923440 (VCV000923440.11), dbSNP rs752212361, ClinGen allele CA346760097.

ClinVar aggregate classification (germline): Uncertain significance. Review status: criteria provided, multiple submitters, no conflicts (2 of 4 stars). 2 submissions from 2 submitters: Uncertain significance (2). Last evaluated 2021-02-25.

Conditions:
Hereditary nonpolyposis colorectal neoplasms. Identifiers: MedGen C0009405, MeSH D003123.
Hereditary cancer-predisposing syndrome. Also called: Neoplastic Syndromes, Hereditary; Tumor predisposition; Hereditary Cancer Syndrome; Hereditary neoplastic syndrome. Identifiers: Orphanet 140162, MedGen C0027672, MeSH D009386, MONDO:0015356.

Submissions (2):

Labcorp Genetics (formerly Invitae), Labcorp
Classification: Uncertain significance for Hereditary nonpolyposis colorectal neoplasms. Last evaluated: 2021-02-25. Review status: criteria provided, single submitter. Criteria: Invitae Variant Classification Sherloc (09022015). Collection method: clinical testing. Allele origin: germline.
Comment: In summary, the available evidence is currently insufficient to determine the role of this variant in disease. Therefore, it has been classified as a Variant of Uncertain Significance. This sequence change replaces glycine with valine at codon 1157 of the MSH6 protein (p.Gly1157Val). The glycine residue is highly conserved and there is a moderate physicochemical difference between glycine and valine. This variant is not present in population databases (ExAC no frequency). This variant has not been reported in the literature in individuals with MSH6-related conditions. ClinVar contains an entry for this variant (Variation ID: 923440). Advanced modeling of protein sequence and biophysical properties (such as structural, functional, and spatial information, amino acid conservation, physicochemical variation, residue mobility, and thermodynamic stability) performed at Invitae indicates that this missense variant is expected to disrupt MSH6 protein function. Algorithms developed to predict the effect of sequence changes on RNA splicing suggest that this variant may create or strengthen a splice site, but this prediction has not been confirmed by published transcriptional studies. This variant disrupts the p.Gly1157 amino acid residue in MSH6. Other variant(s) that disrupt this residue have been determined to be pathogenic (Invitae). This suggests that this residue is clinically significant, and that variants that disrupt this residue are likely to be disease-causing.

Color Diagnostics, LLC DBA Color Health
Classification: Uncertain significance for Hereditary cancer-predisposing syndrome. Last evaluated: 2021-02-10. Review status: criteria provided, single submitter. Criteria: ACMG Guidelines, 2015. Collection method: clinical testing. Allele origin: germline.
Comment: This missense variant replaces glycine with valine at codon 1157 of the MSH6 protein. Computational prediction suggests that this variant may have deleterious impact on protein structure and function (internally defined REVEL score threshold >= 0.7, PMID: 27666373). To our knowledge, functional studies have not been reported for this variant. This variant has not been reported in individuals affected with hereditary cancer in the literature. However, a different missense at this position, p.Gly1157Asp, has been reported to impact MSH6 function in DNA mismatch binding, in vitro mismatch repair and sensitivity to 6-thioguanine assays (PMID: 31965077). Three different amino acid substitutions, aspartic acid, cysteine and serine, in place of glycine 1157, have been observed in individuals affected with Lynch syndrome-associated cancers (PMID: 24323032, 31391288; Color internal data; ClinVar variation ID 142773). This variant has not been identified in the general population by the Genome Aggregation Database (gnomAD). The available evidence is insufficient to determine the role of this variant in disease conclusively. Therefore, this variant is classified as a Variant of Uncertain Significance.